The following is an entry in ClinVar:

NM_182914.3(SYNE2):c.16086T>C (p.Thr5362=)

Gene: SYNE2 (spectrin repeat containing nuclear envelope protein 2; plus strand). Cytogenetic location: 14q23.2.
Variant type: single nucleotide variant.
Coding change: c.16086T>C on transcript NM_182914.3 (MANE Select); coding-DNA position 16086, T replaced by C.
Protein change: p.Thr5362=; no amino-acid change (threonine 5362 retained).
Molecular consequence: synonymous variant.
Genome position (GRCh38, 1-based): chr14:64,159,434, T>C. VCF-style: chr14-64159434-T-C. GRCh37 (hg19) VCF-style: chr14-64626152-T-C.
Other names: c.16086T>C, p.Thr5362= (NM_015180.6).
Identifiers: ClinVar variation 3057338 (VCV003057338.2), dbSNP rs2549533061, ClinGen allele CA486709611.

ClinVar aggregate classification (germline): Likely benign (0 of 4 stars; one submission).

Conditions:
SYNE2-related disorder. Also called: SYNE2-related condition.

Submission:

PreventionGenetics, part of Exact Sciences
Classification: Likely benign for SYNE2-related condition. Last evaluated: 2019-03-14. Review status: no assertion criteria provided. Collection method: clinical testing. Allele origin: germline.
Comment: This variant is classified as likely benign based on ACMG/AMP sequence variant interpretation guidelines (Richards et al. 2015 PMID: 25741868, with internal and published modifications).